The following is an entry in ClinVar:

ClinVar aggregate classification (germline): Pathogenic. Review status: criteria provided, multiple submitters, no conflicts (2 of 4 stars). 5 submissions from 5 submitters: Pathogenic (5). Last evaluated 2024-06-20.

Conditions:
Hereditary breast ovarian cancer syndrome. Also called: Breast and ovarian cancer; Hereditary breast and ovarian cancer syndrome; Hereditary breast and ovarian cancer; Hereditary breast and ovarian cancer syndrome (HBOC); Hereditary breast and/or ovarian cancer syndrome; BRCA1- and BRCA2-Associated Hereditary Breast and Ovarian Cancer. Identifiers: Orphanet 145, MedGen C0677776, MeSH D061325, MONDO:0003582. Disease mechanism: loss of function.
Hereditary cancer-predisposing syndrome. Also called: Hereditary Cancer Syndrome; Neoplastic Syndromes, Hereditary; Tumor predisposition; Hereditary neoplastic syndrome. Identifiers: Orphanet 140162, MedGen C0027672, MeSH D009386, MONDO:0015356.
Familial cancer of breast. Also called: BREAST CANCER, FAMILIAL; Hereditary breast cancer; hereditary breast carcinoma. Identifiers: Orphanet 227535, MedGen C0346153, MONDO:0016419, OMIM 114480. Disease mechanism: loss of function.

Submissions (5):

GeneDx
Classification: Pathogenic. Last evaluated: 2024-06-20. Review status: criteria provided, single submitter. Criteria: GeneDx Variant Classification Process June 2021. Collection method: clinical testing. Allele origin: germline. Affected: yes.
Comment: Frameshift variant predicted to result in protein truncation or nonsense mediated decay in a gene for which loss of function is a known mechanism of disease; Not observed at significant frequency in large population cohorts (gnomAD); Truncating variants in this gene are considered pathogenic by a well-established clinical consortium and/or database; Has not been previously published as pathogenic or benign to our knowledge

Ambry Genetics
Classification: Pathogenic for Hereditary cancer-predisposing syndrome. Last evaluated: 2024-04-17. Review status: criteria provided, single submitter. Criteria: Ambry Variant Classification Scheme 2023. Collection method: clinical testing. Allele origin: germline.
Comment: The c.2100_2110del11 pathogenic mutation, located in coding exon 5 of the PALB2 gene, results from a deletion of 11 nucleotides at nucleotide positions 2100 to 2110, causing a translational frameshift with a predicted alternate stop codon (p.S701Lfs*10). This alteration is expected to result in loss of function by premature protein truncation or nonsense-mediated mRNA decay. As such, this alteration is interpreted as a disease-causing mutation.

Myriad Genetics, Inc.
Classification: Pathogenic for Familial cancer of breast. Last evaluated: 2023-09-12. Review status: criteria provided, single submitter. Criteria: Myriad Autosomal Dominant, Autosomal Recessive and X-Linked Classification Criteria (2023). Collection method: clinical testing. Allele origin: unknown.
Comment: This variant is considered pathogenic. This variant creates a frameshift predicted to result in premature protein truncation.

St. Jude Molecular Pathology, St. Jude Children's Research Hospital
Classification: Pathogenic for Hereditary breast ovarian cancer syndrome. Last evaluated: 2021-10-07. Review status: criteria provided, single submitter. Criteria: St. Jude Assertion Criteria 2020. Collection method: clinical testing. Allele origin: germline.
Comment: The PALB2 c.2100_2110del (p.Ser701LeufsTer10) change deletes 11 nucleotides in exon 5 of the PALB2 gene to cause a frameshift and the creation of a premature stop codon. This change is predicted to cause protein truncation or absence of the protein due to nonsense-mediated decay (PVS1). This variant is absent in gnomAD v2.1.1 (PM2_supporting) and is not reported in a database of women older than 70 years of age who have never had cancer (FLOSSIES database). To our knowledge, this variant has not been reported in individuals affected with hereditary breast and ovarian cancer or Fanconi anemia. However, other truncating variants in exon 5 have been reported in individuals with breast and/or ovarian cancer and are known to be pathogenic (PM5_supporting). In summary, this variant meets criteria to be classified as pathogenic based on the ACMG/AMP criteria: PVS1, PM2_supporting, PM5_supporting.

Labcorp Genetics (formerly Invitae), Labcorp
Classification: Pathogenic for Familial cancer of breast. Last evaluated: 2021-09-27. Review status: criteria provided, single submitter. Criteria: Invitae Variant Classification Sherloc (09022015). Collection method: clinical testing. Allele origin: germline.
Comment: ClinVar contains an entry for this variant (Variation ID: 545916). This variant has not been reported in the literature in individuals affected with PALB2-related conditions. This variant is not present in population databases (ExAC no frequency). This sequence change creates a premature translational stop signal (p.Ser701Leufs*10) in the PALB2 gene. It is expected to result in an absent or disrupted protein product. Loss-of-function variants in PALB2 are known to be pathogenic (PMID: 17200668, 17200671, 17200672, 24136930, 25099575). For these reasons, this variant has been classified as Pathogenic.

Literature cited by the submitters: PubMed 17200668 (cited by Labcorp Genetics (formerly Invitae), Labcorp); PubMed 17200671 (cited by Labcorp Genetics (formerly Invitae), Labcorp); PubMed 17200672 (cited by Labcorp Genetics (formerly Invitae), Labcorp); PubMed 24136930 (cited by Labcorp Genetics (formerly Invitae), Labcorp); PubMed 25099575 (cited by Labcorp Genetics (formerly Invitae), Labcorp).

NM_024675.4(PALB2):c.2100_2110del (p.Ser701fs)

Gene: PALB2 (partner and localizer of BRCA2; minus strand). Cytogenetic location: 16p12.2.
Variant type: Deletion.
Coding change: c.2100_2110del on transcript NM_024675.4 (MANE Select); coding-DNA positions 2100 to 2110, 11 bases deleted (ATCCATATTAC).
Protein change: p.Ser701fs; shifts the reading frame from serine 701.
Molecular consequence: frameshift variant.
Genome position (GRCh38, 1-based): chr16:23,630,044-23,630,054, GTAATATGGAT deleted on the plus strand (ATCCATATTAC on the coding strand, the reverse complement: PALB2 is on the minus strand); deleting any 11 consecutive bases within chr16:23,630,044-23,630,055 gives the same sequence; the c. name uses the placement nearest the transcript's 3' end. VCF-style (leftmost placement, unchanged base first): chr16-23630043-AGTAATATGGAT-A. GRCh37 (hg19) VCF-style: chr16-23641364-AGTAATATGGAT-A.
Other names: c.2100_2110delATCCATATTAC (NM_024675.3); short protein forms S701fs.
Identifiers: ClinVar variation 545916 (VCV000545916.15), dbSNP rs1555460490, ClinGen allele CA658823894.